The following is an entry in ClinVar:

NM_003001.5(SDHC):c.489T>C (p.Ser163=)

Gene: SDHC (succinate dehydrogenase complex subunit C; plus strand). Cytogenetic location: 1q23.3.
Variant type: single nucleotide variant.
Coding change: c.489T>C on transcript NM_003001.5 (MANE Select); coding-DNA position 489, T replaced by C.
Protein change: p.Ser163=; no amino-acid change (serine 163 retained).
Molecular consequence: synonymous variant. On other transcripts: missense variant (3), non-coding transcript variant (1).
Genome position (GRCh38, 1-based): chr1:161,362,412, T>C. VCF-style: chr1-161362412-T-C. GRCh37 (hg19) VCF-style: chr1-161332202-T-C.
Other names: c.325T>C, p.Tyr109His (NM_001035511.3); c.387T>C, p.Ser129= (NM_001035512.3); c.330T>C, p.Ser110= (NM_001035513.3); c.223T>C, p.Tyr75His (NM_001278172.3); c.609T>C, p.Ser203= (NM_001407115.1); c.432T>C, p.Ser144= (NM_001407116.1); c.426T>C, p.Ser142= (NM_001407117.1); c.381T>C, p.Ser127= (NM_001407118.1); and 2 more; short protein forms Y109H, Y75H, Y90H.
Identifiers: ClinVar variation 293319 (VCV000293319.21), dbSNP rs559747670, ClinGen allele CA047553.
Genomic context (GRCh38, chr1:161,362,412, plus strand): 5'-GAAGATTCCCCAGCTATACCAGTCTGGAGTGGTTGTCCTGGTTCTTACTGTGTTGTCCTC[T>C]ATGGGGCTGGCAGCCATGTGAAGAAAGGAGGCTCCCAGCATCATCTTCCTACACATTATT-3'
Protein context (NP_002992.1, residues 153-169): VVVLVLTVLS[Ser163=]MGLAAM

ClinVar aggregate classification (germline): Benign/Likely benign. Review status: criteria provided, multiple submitters, no conflicts (2 of 4 stars). 6 submissions from 6 submitters: Benign (2); Likely benign (4). Last evaluated 2025-08-25.

Conditions:
Pheochromocytoma/paraganglioma syndrome 3. Also called: GLOMUS TUMORS, FAMILIAL, 3; Paragangliomas 3; SDHC-Related Hereditary Paraganglioma-Pheochromocytoma Syndrome (Paragangliomas 3); SDHC-Related Hereditary Paraganglioma-Pheochromocytoma Syndrome. Identifiers: Orphanet 29072, MedGen C1854336, MONDO:0011544, OMIM 605373.
Gastrointestinal stromal tumor. Also called: Gastrointestinal stromal tumor, somatic; Gastrointestinal stroma tumor. Identifiers: Orphanet 44890, MedGen C0238198, MeSH D046152, MONDO:0011719, OMIM 606764, HP:0100723.
Hereditary cancer-predisposing syndrome. Also called: Tumor predisposition; Hereditary neoplastic syndrome; Neoplastic Syndromes, Hereditary; Hereditary Cancer Syndrome. Identifiers: Orphanet 140162, MedGen C0027672, MeSH D009386, MONDO:0015356.
Hereditary pheochromocytoma and paraganglioma. Also called: Hereditary Paraganglioma-Pheochromocytoma Syndromes; Hereditary paragangliomas and pheochromocytomas; Hereditary pheochromocytoma-paraganglioma. Identifiers: Orphanet 29072, MedGen C4274332, MONDO:0017366.

Allele frequency attached by ClinVar (database versions not stated): gnomAD exomes below 0.00001 and 0.00002; ExAC 0.00001; gnomAD 0.00001; TOPMed 0.00001; 1000 Genomes Project 30x 0.00047; 1000 Genomes Project 0.00060.
gnomAD v4.1: 5 of 1,613,598 alleles (0.00031%); highest among the groups gnomAD compares: East Asian, 0.0089%; no homozygotes.

Submissions (6):

Labcorp Genetics (formerly Invitae), Labcorp
Classification: Likely benign for Pheochromocytoma/paraganglioma syndrome 3; Gastrointestinal stromal tumor. Last evaluated: 2025-08-25. Review status: criteria provided, single submitter. Criteria: Invitae Variant Classification Sherloc (09022015). Collection method: clinical testing. Allele origin: germline.

Myriad Genetics, Inc.
Classification: Benign for Pheochromocytoma/paraganglioma syndrome 3. Last evaluated: 2025-03-17. Review status: criteria provided, single submitter. Criteria: Myriad Autosomal Dominant, Autosomal Recessive and X-Linked Classification Criteria (2023). Collection method: clinical testing. Allele origin: unknown.
Comment: This variant is considered benign. This variant is a silent/synonymous amino acid change and it is not expected to impact splicing.

All of Us Research Program, National Institutes of Health
Classification: Likely benign for Hereditary pheochromocytoma and paraganglioma. Last evaluated: 2023-12-13. Review status: criteria provided, single submitter. Criteria: ACMG Guidelines, 2015. Collection method: clinical testing. Allele origin: germline. Inheritance: Autosomal dominant inheritance. Observed: 1 variant allele, 1 heterozygote.
Comment: This study involves interpretation of variants in research participants for the purpose of population health screening. Participant phenotype was not available at the time of variant classification. Additional details can be found in publication PMID: 35346344, PMCID: PMC8962531

Ambry Genetics
Classification: Likely benign for Hereditary cancer-predisposing syndrome. Last evaluated: 2021-12-30. Review status: criteria provided, single submitter. Criteria: Ambry Variant Classification Scheme 2023. Collection method: clinical testing. Allele origin: germline.

GeneDx
Classification: Likely benign. Last evaluated: 2018-05-31. Review status: criteria provided, single submitter. Criteria: GeneDx Variant Classification (06012015). Collection method: clinical testing. Allele origin: germline. Affected: yes.
Comment: This variant is considered likely benign or benign based on one or more of the following criteria: it is a conservative change, it occurs at a poorly conserved position in the protein, it is predicted to be benign by multiple in silico algorithms, and/or has population frequency not consistent with disease.

Illumina Laboratory Services, Illumina
Classification: Benign for Hereditary Paraganglioma-Pheochromocytoma Syndromes. Last evaluated: 2018-01-12. Review status: criteria provided, single submitter. Criteria: ICSL Variant Classification Criteria 13 December 2019. Collection method: clinical testing. Allele origin: germline.
Comment: This variant was observed in the ICSL laboratory as part of a predisposition screen in an ostensibly healthy population. It had not been previously curated by ICSL or reported in the Human Gene Mutation Database (HGMD: prior to June 1st, 2018), and was therefore a candidate for classification through an automated scoring system. Utilizing variant allele frequency, disease prevalence and penetrance estimates, and inheritance mode, an automated score was calculated to assess if this variant is too frequent to cause the disease. Based on the score and internal cut-off values, a variant classified as benign is not then subjected to further curation. The score for this variant resulted in a classification of benign for this disease.